The following is an entry in ClinVar:

ClinVar aggregate classification (germline): Uncertain significance. Review status: criteria provided, multiple submitters, no conflicts (2 of 4 stars). 2 submissions from 2 submitters: Uncertain significance (2). Last evaluated 2025-12-22.

Conditions:
Charcot-Marie-Tooth disease dominant intermediate B (CMTDIB). Also called: CHARCOT-MARIE-TOOTH NEUROPATHY, DOMINANT INTERMEDIATE B; Charcot-Marie-Tooth disease dominant intermediate 1; CMT DI1; Charcot-Marie-Tooth disease dominant intermediate I. Identifiers: Orphanet 100044, Orphanet 228179, MedGen C1847902, MONDO:0011674, OMIM 606482.

Allele frequency attached by ClinVar (database versions not stated): gnomAD exomes 0.00001 and 0.00003; gnomAD 0.00002; TOPMed 0.00002; ExAC 0.00003.
gnomAD v4.1: 18 of 1,612,226 alleles (0.0011%); highest among the groups gnomAD compares: Admixed American, 0.0083%; no homozygotes.

Submissions (2):

Labcorp Genetics (formerly Invitae), Labcorp
Classification: Uncertain significance for Charcot-Marie-Tooth disease dominant intermediate B. Last evaluated: 2025-12-22. Review status: criteria provided, single submitter. Criteria: Invitae Variant Classification Sherloc (09022015). Collection method: clinical testing. Allele origin: germline.
Comment: This sequence change falls in intron 19 of the DNM2 gene. It does not directly change the encoded amino acid sequence of the DNM2 protein. It affects a nucleotide within the consensus splice site. This variant is present in population databases (rs747057769, gnomAD 0.01%). This variant has not been reported in the literature in individuals affected with DNM2-related conditions. ClinVar contains an entry for this variant (Variation ID: 847325). Variants that disrupt the consensus splice site are a relatively common cause of aberrant splicing (PMID: 17576681, 9536098). Algorithms developed to predict the effect of sequence changes on RNA splicing suggest that this variant may disrupt the consensus splice site. In summary, the available evidence is currently insufficient to determine the role of this variant in disease. Therefore, it has been classified as a Variant of Uncertain Significance.

Revvity Omics, Revvity
Classification: Uncertain significance. Last evaluated: 2022-03-02. Review status: criteria provided, single submitter. Criteria: ACMG Guidelines, 2015. Collection method: clinical testing. Allele origin: germline.

Literature cited by the submitters: PubMed 17576681 (cited by Labcorp Genetics (formerly Invitae), Labcorp); PubMed 9536098 (cited by Labcorp Genetics (formerly Invitae), Labcorp).

NM_001005361.3(DNM2):c.2291+5G>A

Gene: DNM2 (dynamin 2; plus strand). Cytogenetic location: 19p13.2.
Variant type: single nucleotide variant.
Coding change: c.2291+5G>A on transcript NM_001005361.3 (MANE Select); 5 bases into the intron after coding-DNA position 2291, G replaced by A.
Molecular consequence: intron variant.
Genome position (GRCh38, 1-based): chr19:10,829,273, G>A. VCF-style: chr19-10829273-G-A. GRCh37 (hg19) VCF-style: chr19-10939949-G-A.
Other names: c.2291+5G>A (NM_001005360.3, NM_001190716.2); c.2279+5G>A (NM_004945.4, NM_001005362.3).
Identifiers: ClinVar variation 847325 (VCV000847325.9), dbSNP rs747057769, ClinGen allele CA9201568.